The following is an entry in ClinVar:

ClinVar aggregate classification (germline): Uncertain significance. Review status: criteria provided, multiple submitters, no conflicts (2 of 4 stars). 2 submissions from 2 submitters: Uncertain significance (2). Last evaluated 2025-10-29.

Conditions:
Inborn genetic diseases. Identifiers: MedGen C0950123, MeSH D030342.

gnomAD v4.1: 1 of 1,197,551 alleles (0.000084%); highest among the groups gnomAD compares: Non-Finnish European, 0.00011%; no homozygotes.

Submissions (2):

Ambry Genetics
Classification: Uncertain significance for Inborn genetic diseases. Last evaluated: 2025-10-29. Review status: criteria provided, single submitter. Criteria: Ambry Variant Classification Scheme 2023. Collection method: clinical testing. Allele origin: germline.

GeneDx
Classification: Uncertain significance. Last evaluated: 2024-12-05. Review status: criteria provided, single submitter. Criteria: GeneDx Variant Classification Process June 2021. Collection method: clinical testing. Allele origin: germline. Affected: yes.
Comment: Not observed at significant frequency in large population cohorts (gnomAD); In silico analysis supports that this missense variant has a deleterious effect on protein structure/function; Has not been previously published as pathogenic or benign to our knowledge

NM_001042750.2(STAG2):c.437G>A (p.Arg146Gln)

Gene: STAG2 (STAG2 cohesin complex component; plus strand). Cytogenetic location: Xq25.
Variant type: single nucleotide variant.
Coding change: c.437G>A on transcript NM_001042750.2 (MANE Select); coding-DNA position 437, G replaced by A.
Protein change: p.Arg146Gln; replaces arginine 146 with glutamine.
Molecular consequence: missense variant.
Genome position (GRCh38, 1-based): chrX:124,042,620, G>A. VCF-style: chrX-124042620-G-A. GRCh37 (hg19) VCF-style: chrX-123176470-G-A.
Other names: c.437G>A, p.Arg146Gln (NM_001042749.2, NM_001042751.2, NM_001282418.2 and 13 more transcripts); c.437G>A (NM_001042749.1); short protein forms R146Q.
Identifiers: ClinVar variation 3901536 (VCV003901536.2).